The following is an entry in ClinVar:

ClinVar aggregate classification (germline): Uncertain significance (1 of 4 stars; one submission).

Submission:

Ambry Genetics
Classification: Uncertain significance. Last evaluated: 2025-08-01. Review status: criteria provided, single submitter. Criteria: Ambry Variant Classification Scheme 2023. Collection method: clinical testing. Allele origin: germline.
Comment: The p.G592S variant (also known as c.1774G>A), located in coding exon 13 of the GEN1 gene, results from a G to A substitution at nucleotide position 1774. The glycine at codon 592 is replaced by serine, an amino acid with similar properties. This amino acid position is conserved. In addition, this alteration is predicted to be tolerated by in silico analysis. Based on the available evidence, the clinical significance of this variant remains unclear.

NM_001130009.3(GEN1):c.1774G>A (p.Gly592Ser)

Gene: GEN1 (GEN1 Holliday junction 5' flap endonuclease; plus strand). Cytogenetic location: 2p24.2.
Variant type: single nucleotide variant.
Coding change: c.1774G>A on transcript NM_001130009.3 (MANE Select); coding-DNA position 1774, G replaced by A.
Protein change: p.Gly592Ser; replaces glycine 592 with serine.
Molecular consequence: missense variant.
Genome position (GRCh38, 1-based): chr2:17,780,986, G>A. VCF-style: chr2-17780986-G-A. GRCh37 (hg19) VCF-style: chr2-17962253-G-A.
Other names: c.1774G>A, p.Gly592Ser (NM_182625.5); short protein forms G592S.
Identifiers: ClinVar variation 4263053 (VCV004263053.1).